The following is an entry in ClinVar:

NM_020207.7(ERCC6L2):c.3905C>A (p.Ser1302Tyr)

Gene: ERCC6L2 (ERCC excision repair 6 like 2; plus strand). Cytogenetic location: 9q22.32.
Variant type: single nucleotide variant.
Coding change: c.3905C>A on transcript NM_020207.7 (MANE Select); coding-DNA position 3905, C replaced by A.
Protein change: p.Ser1302Tyr; replaces serine 1302 with tyrosine.
Molecular consequence: missense variant. On other transcripts: non-coding transcript variant (1), intron variant (2).
Genome position (GRCh38, 1-based): chr9:96,012,455, C>A. VCF-style: chr9-96012455-C-A. GRCh37 (hg19) VCF-style: chr9-98774737-C-A.
Other names: c.3674+7754C>A (NM_001375291.1, NM_001375292.1); short protein forms S1302Y.
Identifiers: ClinVar variation 1516262 (VCV001516262.8), dbSNP rs751361171, ClinGen allele CA5140017.

ClinVar aggregate classification (germline): Uncertain significance (1 of 4 stars; one submission).

Allele frequency attached by ClinVar (database versions not stated): gnomAD exomes below 0.00001; ExAC 0.00001.

Submission:

Labcorp Genetics (formerly Invitae), Labcorp
Classification: Uncertain significance. Last evaluated: 2021-03-12. Review status: criteria provided, single submitter. Criteria: Invitae Variant Classification Sherloc (09022015). Collection method: clinical testing. Allele origin: germline.
Comment: In summary, the available evidence is currently insufficient to determine the role of this variant in disease. Therefore, it has been classified as a Variant of Uncertain Significance. Algorithms developed to predict the effect of missense changes on protein structure and function are either unavailable or do not agree on the potential impact of this missense change (SIFT: "Deleterious"; PolyPhen-2: "Not Available"; Align-GVGD: "Class C0"). This variant has not been reported in the literature in individuals with ERCC6L2-related conditions. This variant is present in population databases (rs751361171, ExAC 0.002%). This sequence change replaces serine with tyrosine at codon 1313 of the ERCC6L2 protein (p.Ser1313Tyr). The serine residue is weakly conserved and there is a large physicochemical difference between serine and tyrosine.